The following is an entry in ClinVar:

ClinVar aggregate classification (germline): not provided (0 of 4 stars; one submission).

Allele frequency attached by ClinVar (database versions not stated): TOPMed 0.00004; gnomAD 0.00006 and 0.00007.

Submission:

Human Evolutionary Genetics, Institut Pasteur
No classification provided. Review status: no classification provided. Collection method: not provided. Allele origin: germline.
ClinVar note: Converted during submission from untested to not provided.

NC_000011.10:g.119168442C>T

Gene: NLRX1 (NLR family member X1; plus strand). Cytogenetic location: 11q23.3.
Variant type: single nucleotide variant.
Molecular consequence: 5 prime UTR variant (on NM_001282358.2).
Genome position: GRCh38 VCF-style: chr11-119168442-C-T. GRCh37 (hg19) VCF-style: chr11-119039151-C-T.
Other names: c.-54C>T (NM_001282358.2).
Identifiers: ClinVar variation 102947 (VCV000102947.3), dbSNP rs199476029, ClinGen allele CA229910.